The following is an entry in ClinVar:

NM_000400.4(ERCC2):c.2164C>T (p.Arg722Trp)

Gene: ERCC2 (ERCC excision repair 2, TFIIH core complex helicase subunit; minus strand). Cytogenetic location: 19q13.32.
Variant type: single nucleotide variant.
Coding change: c.2164C>T on transcript NM_000400.4 (MANE Select); coding-DNA position 2164, C replaced by T.
Protein change: p.Arg722Trp; replaces arginine 722 with tryptophan.
Molecular consequence: missense variant.
Genome position (GRCh38, 1-based): chr19:45,352,235, G>A on the plus strand (C>T on the coding strand, the complement: ERCC2 is on the minus strand). VCF-style: chr19-45352235-G-A. GRCh37 (hg19) VCF-style: chr19-45855493-G-A.
Other names: short protein forms R722W.
Identifiers: ClinVar variation 16792 (VCV000016792.67), dbSNP rs121913026, ClinGen allele CA126893.

ClinVar aggregate classification (germline): Pathogenic/Likely pathogenic. Review status: criteria provided, multiple submitters, no conflicts (2 of 4 stars). 19 submissions from 19 submitters: Pathogenic (13); Likely pathogenic (1). 5 of the submissions do not count toward it. Last evaluated 2026-10-23.

Conditions:
Hypotrichosis simplex. Also called: Hereditary hypotrichosis simplex. Identifiers: Orphanet 55654, MedGen C1854310, MeSH C537160, MONDO:0018914.
Trichothiodystrophy. Identifiers: Orphanet 33364, MedGen C1955934, MONDO:0018053.
ERCC2-related disorder. Also called: ERCC2-related conditions; ERCC2-related condition; ERCC2-related disorders. Identifiers: MedGen CN239291.
Xeroderma pigmentosum, group D (XPD). Also called: XP, GROUP H; XERODERMA PIGMENTOSUM, COMPLEMENTATION GROUP D; ERCC2-Related Xeroderma Pigmentosum; XERODERMA PIGMENTOSUM IV; XP, GROUP D. Identifiers: MedGen C0268138, MONDO:0010212, OMIM 278730.
Trichothiodystrophy 1, photosensitive (TTD1). Also called: TAY SYNDROME; TRICHOTHIODYSTROPHY WITH CONGENITAL ICHTHYOSIS; PIBIDS SYNDROME. Identifiers: Orphanet 33364, MedGen C1866504, MONDO:0011125, OMIM 601675.
Cerebrooculofacioskeletal syndrome 2 (COFS2). Identifiers: MedGen C1853102, MONDO:0012553, OMIM 610756.

Allele frequency attached by ClinVar (database versions not stated): gnomAD exomes 0.00002; ExAC 0.00003; gnomAD 0.00008 and 0.00009; TOPMed 0.00008.
gnomAD v4.1: 44 of 1,613,898 alleles (0.0027%); highest among the groups gnomAD compares: African/African-American, 0.011%; no homozygotes.

Submissions 1 to 9 of 19:

Gene Mapping Laboratory, Hacettepe University
Classification: Likely pathogenic for Trichothiodystrophy 1, photosensitive. Last evaluated: 2026-10-23. Review status: criteria provided, single submitter. Criteria: ACMG Guidelines, 2015. Collection method: research. Allele origin: inherited. Inheritance: Autosomal recessive inheritance. Affected: yes. Observed: 1 variant allele, 1 compound heterozygote.
Comment: This missense variant is rare in population databases (PM2), with computational predictions supporting a deleterious effect (PP3). Its occurrence in compound heterozygosity with the established pathogenic ERCC2 c.1354C>T p.(Gln452Ter) variant supports an autosomal recessive disease mechanism (PM3). This variant has also been reported in individuals with trichothiodystrophy (PP5). The individual's phenotype that involves ichthyosis, brittle hair, developmental delay, and growth restriction (PP4) support its pathogenic classification.

Otogenetics
Classification: Pathogenic for Xeroderma pigmentosum, group D; Trichothiodystrophy 1, photosensitive; Cerebrooculofacioskeletal syndrome 2. Last evaluated: 2026-02-08. Review status: criteria provided, single submitter. Criteria: ACMG Guidelines, 2015. Collection method: clinical testing. Allele origin: germline.

Labcorp Genetics (formerly Invitae), Labcorp
Classification: Pathogenic. Last evaluated: 2025-09-25. Review status: criteria provided, single submitter. Criteria: Invitae Variant Classification Sherloc (09022015). Collection method: clinical testing. Allele origin: germline.
Comment: This sequence change replaces arginine, which is basic and polar, with tryptophan, which is neutral and slightly polar, at codon 722 of the ERCC2 protein (p.Arg722Trp). This variant is present in population databases (rs121913026, gnomAD 0.004%). This missense change has been observed in individual(s) with photosensitive trichothiodystrophy (PMID: 31282071, 31803976). In at least one individual the data is consistent with being in trans (on the opposite chromosome) from a pathogenic variant. It has also been observed to segregate with disease in related individuals. ClinVar contains an entry for this variant (Variation ID: 16792). Invitae Evidence Modeling of protein sequence and biophysical properties (such as structural, functional, and spatial information, amino acid conservation, physicochemical variation, residue mobility, and thermodynamic stability) indicates that this missense variant is expected to disrupt ERCC2 protein function with a positive predictive value of 80%. For these reasons, this variant has been classified as Pathogenic.

Blueprint Genetics
Classification: Pathogenic for ERCC2-related disorders. Last evaluated: 2024-05-29. Review status: criteria provided, single submitter. Criteria: ACMG Guidelines, 2015. Collection method: clinical testing. Allele origin: germline. Affected: yes. Observed: 5 variant alleles.

Baylor Genetics
Classification: Pathogenic for Cerebrooculofacioskeletal syndrome 2. Last evaluated: 2024-03-27. Review status: criteria provided, single submitter. Criteria: ACMG Guidelines, 2015. Collection method: clinical testing. Allele origin: unknown.

PreventionGenetics, part of Exact Sciences
Classification: Pathogenic for ERCC2-related condition. Last evaluated: 2023-02-09. Review status: criteria provided, single submitter. Criteria: ACMG Guidelines, 2015. Collection method: clinical testing. Allele origin: germline.
Comment: The ERCC2 c.2164C>T variant is predicted to result in the amino acid substitution p.Arg722Trp. This variant was reported in the homozygous and compound heterozygous states in individuals with trichothiodystrophy (TTD) (Pehlivan et al. 2012. PubMed ID: 23039039; Takayama et al. 1996. PubMed ID: 8571952; Botta et al. 2008. PubMed ID: 19085937; Usuda et al. 2011. PubMed ID: 20944642; Brauns et al. 2016. PubMed ID: 26577220; Miguet et al. 2016. PubMed ID: 27862069; Leemans et al. 2019. PubMed ID: 31803976). Functional studies of cells isolated from patients with this variant showed high sensitivity to UV light and decreased DNA repair (Takayama et al. 1996. PubMed ID: 8571952; Nishiwaki et al. 2008. PubMed ID: 18817897). A homozygous mouse model for the p.Arg772Trp variant showed an earlier on-set of age-related vascular phenotypes (Durik et al. 2012. PubMed ID: 22705887). This variant is reported in 0.0047% of alleles in individuals of European (Non-Finnish) descent in gnomAD. This variant is interpreted as pathogenic.

GeneDx
Classification: Pathogenic. Last evaluated: 2021-12-06. Review status: criteria provided, single submitter. Criteria: GeneDx Variant Classification Process June 2021. Collection method: clinical testing. Allele origin: germline. Affected: yes.
Comment: Published functional studies demonstrate that R722W disrupts RARB2 mRNA synthesis by deregulating several transcriptional steps and destabilizes the architecture of the evolutionarily conserved general transcription factor IIH (TFIIH) (Singh et al., 2015); In silico analysis supports that this missense variant has a deleterious effect on protein structure/function; This variant is associated with the following publications: (PMID: 18817897, 25431422, 7920640, 15494306, 26577220, 23232694, 23221806, 23039039, 20944642, 25620205, 22705887, 12820975, 27862069, 8571952, 28724667, 19085937, 31282071, 31589614, 32732226, 31980526, 31803976)

Laboratory for Molecular Medicine, Mass General Brigham Personalized Medicine
Classification: Pathogenic for Hypotrichosis simplex. Last evaluated: 2021-03-05. Review status: criteria provided, single submitter. Criteria: LMM Criteria. Collection method: clinical testing. Allele origin: germline. Inheritance: Autosomal recessive inheritance. Observed: 1 variant allele.
Comment: The p.Arg722Trp variant in ERCC2 has been reported in >10 individuals with trichothiodystrophy (TTD) as homozygous or in trans with a second pathogenic ERCC2 variant (Takayama 1996 PMID:8571952, Stefanini 2010 PMID:19931493, Pehlivan 2012 PMID:23039039). It has also been identified in 0.005% (6/128882) of European chromosomes by gnomAD; however, this frequency is low enough to be consistent with a recessive carrier frequency. This variant has also been reported in ClinVar (Variation ID 16792). In vitro functional studies support an impact on protein function (Pehlivan 2012 PMID:23039039, Singh 2015 PMID:25620205). Mouse models have shown that this variant causes TTD (deBoer 1998 PMID: 9651581). In summary, this variant meets criteria to be classified as pathogenic for autosomal recessive TTD. ACMG/AMP Criteria applied: PS3, PM3_Strong, PM2_Supporting.

Women's Health and Genetics/Laboratory Corporation of America, LabCorp
Classification: Pathogenic for Trichothiodystrophy. Last evaluated: 2020-05-28. Review status: criteria provided, single submitter. Criteria: LabCorp Variant Classification Summary - May 2015. Collection method: clinical testing. Allele origin: germline.
Comment: Variant summary: ERCC2 c.2164C>T (p.Arg722Trp) results in a non-conservative amino acid change in the encoded protein sequence. Five of five in-silico tools predict a damaging effect of the variant on protein function. The variant allele was found at a frequency of 2.4e-05 in 251074 control chromosomes. c.2164C>T has been reported in the literature in individuals affected with Trichothiodystrophy (e.g. Takayama_1996, Taylor_1997, Usuda_2011, Zhou_2013). These data indicate that the variant is likely to be associated with disease. At least one publication reports experimental evidence evaluating an impact on protein function and showed that p.Arg722Trp affected normal activity (e.g. Singh_2015). Three clinical diagnostic laboratories have submitted clinical-significance assessments for this variant to ClinVar after 2014 without evidence for independent evaluation. All laboratories classified the variant as pathogenic. Based on the evidence outlined above, the variant was classified as pathogenic.